The following is an entry in ClinVar:

NM_001292034.3(TAB2):c.972C>A (p.Asn324Lys)

Genes: TAB2 (TGF-beta activated kinase 1 (MAP3K7) binding protein 2; plus strand), LOC126859827 (BRD4-independent group 4 enhancer GRCh37_chr6:149699707-149700906; plus strand). Cytogenetic location: 6q25.1.
Variant type: single nucleotide variant.
Coding change: c.972C>A on transcript NM_001292034.3 (MANE Select); coding-DNA position 972, C replaced by A.
Protein change: p.Asn324Lys; replaces asparagine 324 with lysine.
Molecular consequence: missense variant.
Genome position (GRCh38, 1-based): chr6:149,378,887, C>A. VCF-style: chr6-149378887-C-A. GRCh37 (hg19) VCF-style: chr6-149700023-C-A.
Other names: c.876C>A, p.Asn292Lys (NM_001292035.3); c.972C>A, p.Asn324Lys (NM_001369506.1, NM_015093.6); short protein forms N292K, N324K.
Identifiers: ClinVar variation 2430880 (VCV002430880.1), dbSNP rs1781503894, ClinGen allele CA365997686.

ClinVar aggregate classification (germline): Uncertain significance (1 of 4 stars; one submission).

Allele frequency attached by ClinVar (database versions not stated): gnomAD exomes below 0.00001.
gnomAD v4.1: 3 of 1,614,120 alleles (0.00019%); highest among the groups gnomAD compares: Non-Finnish European, 0.00017%; no homozygotes.

Submission:

GeneDx
Classification: Uncertain significance. Last evaluated: 2022-08-26. Review status: criteria provided, single submitter. Criteria: GeneDx Variant Classification Process June 2021. Collection method: clinical testing. Allele origin: germline. Affected: yes.
Comment: Not observed at significant frequency in large population cohorts (gnomAD); In silico analysis supports that this missense variant does not alter protein structure/function; Has not been previously published as pathogenic or benign to our knowledge